The following is an entry in ClinVar:

ClinVar aggregate classification (germline): Uncertain significance. Review status: criteria provided, multiple submitters, no conflicts (2 of 4 stars). 2 submissions from 2 submitters: Uncertain significance (2). Last evaluated 2024-02-29.

Conditions:
Iodotyrosyl coupling defect (TDH3). Also called: HYPOTHYROIDISM, CONGENITAL, DUE TO DYSHORMONOGENESIS, 3; THYROID HORMONOGENESIS, GENETIC DEFECT IN, 3. Identifiers: Orphanet 95716, MedGen C0342194, MONDO:0010135, OMIM 274700.

Allele frequency attached by ClinVar (database versions not stated): TOPMed below 0.00001; gnomAD exomes 0.00001.
gnomAD v4.1: 7 of 1,610,962 alleles (0.00043%); highest among the groups gnomAD compares: Non-Finnish European, 0.00059%; no homozygotes.

Submissions (2):

Baylor Genetics
Classification: Uncertain significance for Iodotyrosyl coupling defect. Last evaluated: 2024-02-29. Review status: criteria provided, single submitter. Criteria: ACMG Guidelines, 2015. Collection method: clinical testing. Allele origin: unknown.

GeneDx
Classification: Uncertain significance. Last evaluated: 2023-04-05. Review status: criteria provided, single submitter. Criteria: GeneDx Variant Classification Process June 2021. Collection method: clinical testing. Allele origin: germline. Affected: yes.
Comment: Not observed at significant frequency in large population cohorts (gnomAD); In silico analysis supports that this missense variant has a deleterious effect on protein structure/function; Has not been previously published as pathogenic or benign to our knowledge

NM_003235.5(TG):c.2697G>C (p.Trp899Cys)

Gene: TG (thyroglobulin; plus strand). Cytogenetic location: 8q24.22.
Variant type: single nucleotide variant.
Coding change: c.2697G>C on transcript NM_003235.5 (MANE Select); coding-DNA position 2697, G replaced by C.
Protein change: p.Trp899Cys; replaces tryptophan 899 with cysteine.
Molecular consequence: missense variant.
Genome position (GRCh38, 1-based): chr8:132,888,504, G>C. VCF-style: chr8-132888504-G-C. GRCh37 (hg19) VCF-style: chr8-133900749-G-C.
Other names: c.2697G>C (NM_003235.4); short protein forms W899C.
Identifiers: ClinVar variation 3238786 (VCV003238786.2), dbSNP rs1815748591.